The following is an entry in ClinVar:

NM_058216.3(RAD51C):c.326A>G (p.Asp109Gly)

Gene: RAD51C (RAD51 paralog C; plus strand). Cytogenetic location: 17q22.
Variant type: single nucleotide variant.
Coding change: c.326A>G on transcript NM_058216.3 (MANE Select); coding-DNA position 326, A replaced by G.
Protein change: p.Asp109Gly; replaces aspartic acid 109 with glycine.
Molecular consequence: missense variant. On other transcripts: non-coding transcript variant (2).
Genome position (GRCh38, 1-based): chr17:58,695,111, A>G. VCF-style: chr17-58695111-A-G. GRCh37 (hg19) VCF-style: chr17-56772472-A-G.
Other names: c.326A>G, p.Asp109Gly (NM_002876.4, NM_058217.1); short protein forms D109G.
Identifiers: ClinVar variation 2447779 (VCV002447779.6), dbSNP rs2143724700, ClinGen allele CA400341261.

ClinVar aggregate classification (germline): Conflicting classifications of pathogenicity. Review status: criteria provided, conflicting classifications (1 of 4 stars). 2 submissions from 2 submitters: Uncertain significance (1); Benign (1). Last evaluated 2025-10-24.

Conditions:
Fanconi anemia complementation group O. Also called: RAD51C-Related Fanconi Anemia. Identifiers: Orphanet 84, MedGen C3150653, MONDO:0013248, OMIM 613390.
Hereditary cancer-predisposing syndrome. Also called: Hereditary neoplastic syndrome; Tumor predisposition; Neoplastic Syndromes, Hereditary; Hereditary Cancer Syndrome. Identifiers: Orphanet 140162, MedGen C0027672, MeSH D009386, MONDO:0015356.

Allele frequency attached by ClinVar (database versions not stated): gnomAD 0.00001.
gnomAD v4.1: 1 of 1,614,090 alleles (0.000062%); highest among the groups gnomAD compares: East Asian, 0.0022%; no homozygotes.

Submissions (2):

Ambry Genetics
Classification: Benign for Hereditary cancer-predisposing syndrome. Last evaluated: 2025-10-24. Review status: criteria provided, single submitter. Criteria: Ambry Variant Classification Scheme 2023. Collection method: clinical testing. Allele origin: germline.

Labcorp Genetics (formerly Invitae), Labcorp
Classification: Uncertain significance for Fanconi anemia complementation group O. Last evaluated: 2025-06-02. Review status: criteria provided, single submitter. Criteria: Invitae Variant Classification Sherloc (09022015). Collection method: clinical testing. Allele origin: germline.
Comment: This sequence change replaces aspartic acid, which is acidic and polar, with glycine, which is neutral and non-polar, at codon 109 of the RAD51C protein (p.Asp109Gly). This variant is not present in population databases (gnomAD no frequency). This variant has not been reported in the literature in individuals affected with RAD51C-related conditions. ClinVar contains an entry for this variant (Variation ID: 2447779). Invitae Evidence Modeling of protein sequence and biophysical properties (such as structural, functional, and spatial information, amino acid conservation, physicochemical variation, residue mobility, and thermodynamic stability) indicates that this missense variant is not expected to disrupt RAD51C protein function with a negative predictive value of 80%. Algorithms developed to predict the effect of sequence changes on RNA splicing suggest that this variant may create or strengthen a splice site. In summary, the available evidence is currently insufficient to determine the role of this variant in disease. Therefore, it has been classified as a Variant of Uncertain Significance.